The following is an entry in ClinVar:

NC_000016.9:g.(?_90089130)_(90089152_?)del

Gene: GAS8 (growth arrest specific 8; plus strand). Cytogenetic location: 16q24.3.
Variant type: Deletion.
Identifiers: ClinVar variation 2424183 (VCV002424183.4).

ClinVar aggregate classification (germline): Pathogenic (1 of 4 stars; one submission).

Conditions:
Primary ciliary dyskinesia 33. Also called: CILIARY DYSKINESIA, PRIMARY, 33, WITHOUT SITUS INVERSUS. Identifiers: Orphanet 244, MedGen C4225230, MONDO:0014750, OMIM 616726.

Submission:

Labcorp Genetics (formerly Invitae), Labcorp
Classification: Pathogenic for Primary ciliary dyskinesia 33. Last evaluated: 2022-06-08. Review status: criteria provided, single submitter. Criteria: Invitae Variant Classification Sherloc (09022015). Collection method: clinical testing. Allele origin: germline.
Comment: For these reasons, this variant has been classified as Pathogenic. This variant has not been reported in the literature in individuals affected with GAS8-related conditions. This variant is a gross deletion of the genomic region encompassing exon(s) 1 of the GAS8 gene, which includes the initiator codon. This deletion extends beyond the assayed region for this gene and therefore may encompass additional genes. It is expected to result in an absent or disrupted protein product. Loss-of-function variants in GAS8 are known to be pathogenic (PMID: 26387594).

Literature cited by the submitters: PubMed 26387594.